The following is an entry in ClinVar:

NM_001164277.2(SLC37A4):c.1085G>C (p.Cys362Ser)

Gene: SLC37A4 (solute carrier family 37 member 4; minus strand). Cytogenetic location: 11q23.3.
Variant type: single nucleotide variant.
Coding change: c.1085G>C on transcript NM_001164277.2 (MANE Select); coding-DNA position 1085, G replaced by C.
Protein change: p.Cys362Ser; replaces cysteine 362 with serine.
Molecular consequence: missense variant.
Genome position (GRCh38, 1-based): chr11:119,025,229, C>G on the plus strand (G>C on the coding strand, the complement: SLC37A4 is on the minus strand). VCF-style: chr11-119025229-C-G. GRCh37 (hg19) VCF-style: chr11-118895939-C-G.
Other names: c.1151G>C, p.Cys384Ser (NM_001164278.2); c.866G>C, p.Cys289Ser (NM_001164279.2); c.1085G>C, p.Cys362Ser (NM_001164280.2, NM_001467.6); short protein forms C362S, C384S, C289S.
Identifiers: ClinVar variation 2755795 (VCV002755795.3), dbSNP rs1265511352, ClinGen allele CA382895543.

ClinVar aggregate classification (germline): Uncertain significance (1 of 4 stars; one submission).

Conditions:
Glucose-6-phosphate transport defect (GSD1B). Also called: GSD Ib; Glycogen Storage Disease Type Ib. Identifiers: Orphanet 364, Orphanet 79259, MedGen C0268146, MONDO:0009288, OMIM 232220.

Allele frequency attached by ClinVar (database versions not stated): gnomAD exomes 0.00001.

Submission:

Labcorp Genetics (formerly Invitae), Labcorp
Classification: Uncertain significance for Glucose-6-phosphate transport defect. Last evaluated: 2023-08-28. Review status: criteria provided, single submitter. Criteria: Invitae Variant Classification Sherloc (09022015). Collection method: clinical testing. Allele origin: germline.
Comment: This sequence change replaces cysteine, which is neutral and slightly polar, with serine, which is neutral and polar, at codon 362 of the SLC37A4 protein (p.Cys362Ser). This variant is present in population databases (no rsID available, gnomAD 0.003%). In summary, the available evidence is currently insufficient to determine the role of this variant in disease. Therefore, it has been classified as a Variant of Uncertain Significance. Advanced modeling of protein sequence and biophysical properties (such as structural, functional, and spatial information, amino acid conservation, physicochemical variation, residue mobility, and thermodynamic stability) performed at Invitae indicates that this missense variant is not expected to disrupt SLC37A4 protein function. This variant has not been reported in the literature in individuals affected with SLC37A4-related conditions.